The following is an entry in ClinVar:

ClinVar aggregate classification (germline): Likely benign (0 of 4 stars; one submission).

Conditions:
PYCR1-related disorder. Also called: PYCR1-related condition.

Submission:

PreventionGenetics, part of Exact Sciences
Classification: Likely benign for PYCR1-related condition. Last evaluated: 2021-05-18. Review status: no assertion criteria provided. Collection method: clinical testing. Allele origin: germline.
Comment: This variant is classified as likely benign based on ACMG/AMP sequence variant interpretation guidelines (Richards et al. 2015 PMID: 25741868, with internal and published modifications).

NM_006907.4(PYCR1):c.336G>T (p.Arg112=)

Gene: PYCR1 (pyrroline-5-carboxylate reductase 1; minus strand). Cytogenetic location: 17q25.3.
Variant type: single nucleotide variant.
Coding change: c.336G>T on transcript NM_006907.4 (MANE Select); coding-DNA position 336, G replaced by T.
Protein change: p.Arg112=; no amino-acid change (arginine 112 retained).
Molecular consequence: synonymous variant.
Genome position (GRCh38, 1-based): chr17:81,935,130, C>A on the plus strand (G>T on the coding strand, the complement: PYCR1 is on the minus strand). VCF-style: chr17-81935130-C-A. GRCh37 (hg19) VCF-style: chr17-79893006-C-A.
Other names: c.336G>T, p.Arg112= (NM_001282279.2, NM_001282280.2, NM_001330523.2 and 1 more transcripts); c.417G>T, p.Arg139= (NM_001282281.2).
Identifiers: ClinVar variation 3057468 (VCV003057468.2), dbSNP rs11555730, ClinGen allele CA502426702.